The following is an entry in ClinVar:

ClinVar aggregate classification (germline): Likely benign (1 of 4 stars; one submission).

Conditions:
Bardet-Biedl syndrome 4 (BBS4). Identifiers: Orphanet 110, MedGen C2936864, MONDO:0014433, OMIM 615982.

Allele frequency attached by ClinVar (database versions not stated): gnomAD 0.00001 and 0.00030; TOPMed 0.00003; gnomAD exomes 0.00116 and 0.00133; 1000 Genomes Project 0.00160; 1000 Genomes Project 30x 0.00187; ExAC 0.00410.
gnomAD v4.1: 431 of 452,900 alleles (0.095%); highest among the groups gnomAD compares: South Asian, 0.66%; 1 homozygote.

Submission:

Illumina Laboratory Services, Illumina
Classification: Likely benign for Bardet-Biedl syndrome 4. Last evaluated: 2018-01-12. Review status: criteria provided, single submitter. Criteria: ICSL Variant Classification Criteria 13 December 2019. Collection method: clinical testing. Allele origin: germline.
Comment: This variant was observed in the ICSL laboratory as part of a predisposition screen in an ostensibly healthy population. It had not been previously curated by ICSL or reported in the Human Gene Mutation Database (HGMD: prior to June 1st, 2018), and was therefore a candidate for classification through an automated scoring system. Utilizing variant allele frequency, disease prevalence and penetrance estimates, and inheritance mode, an automated score was calculated to assess if this variant is too frequent to cause the disease. Based on the score and internal cut-off values, a variant classified as likely benign is not then subjected to further curation. The score for this variant resulted in a classification of likely benign for this disease.

NM_033028.5(BBS4):c.*522A>G

Gene: BBS4 (Bardet-Biedl syndrome 4; plus strand). Cytogenetic location: 15q24.1.
Variant type: single nucleotide variant.
Coding change: c.*522A>G on transcript NM_033028.5 (MANE Select); 522 bases downstream of the stop codon, A replaced by G.
Molecular consequence: 3 prime UTR variant. On other transcripts: non-coding transcript variant (2).
Genome position (GRCh38, 1-based): chr15:72,738,109, A>G. VCF-style: chr15-72738109-A-G. GRCh37 (hg19) VCF-style: chr15-73030450-A-G.
Other names: c.*522A>G (NM_001252678.2, NM_001320665.2).
Identifiers: ClinVar variation 887773 (VCV000887773.4), dbSNP rs531501103, ClinGen allele CA7647110.